The following is an entry in ClinVar:

NM_031476.4(CRISPLD2):c.1113-5A>C

Gene: CRISPLD2 (cysteine rich secretory protein LCCL domain containing 2; plus strand). Cytogenetic location: 16q24.1.
Variant type: single nucleotide variant.
Coding change: c.1113-5A>C on transcript NM_031476.4 (MANE Select); 5 bases into the intron before coding-DNA position 1113, A replaced by C.
Molecular consequence: intron variant.
Genome position (GRCh38, 1-based): chr16:84,873,915, A>C. VCF-style: chr16-84873915-A-C. GRCh37 (hg19) VCF-style: chr16-84907521-A-C.
Other names: NC_000016.9:g.84907521A>C.
Identifiers: ClinVar variation 768803 (VCV000768803.7), dbSNP rs7194957, ClinGen allele CA8211947.

ClinVar aggregate classification (germline): Benign. Review status: criteria provided, multiple submitters, no conflicts (2 of 4 stars). 3 submissions from 3 submitters: Benign (2). 1 of the submissions does not count toward it. Last evaluated 2018-07-06.

Conditions:
CRISPLD2-related disorder. Also called: CRISPLD2-related condition.

Allele frequency attached by ClinVar (database versions not stated): gnomAD exomes 0.00185 and 0.00616; ExAC 0.00754; gnomAD 0.02410 and 0.02598; 1000 Genomes Project 0.02416; TOPMed 0.02549; ESP Exome Variant Server 0.02577; 1000 Genomes Project 30x 0.02639.
gnomAD v4.1: 6,299 of 1,547,772 alleles (0.41%); highest among the groups gnomAD compares: African/African-American, 8%; 192 homozygotes.

Submissions (11):

Labcorp Genetics (formerly Invitae), Labcorp
Classification: Benign. Last evaluated: 2018-07-06. Review status: criteria provided, single submitter. Criteria: Invitae Variant Classification Sherloc (09022015). Collection method: clinical testing. Allele origin: germline.

Breakthrough Genomics
Classification: Benign. Review status: criteria provided, single submitter. Criteria: ACMG Guidelines, 2015. Collection method: not provided. Allele origin: germline. Inheritance: Unknown mechanism. Affected: yes.

PreventionGenetics, part of Exact Sciences
Classification: Benign for CRISPLD2-related condition. Last evaluated: 2019-02-25. Review status: no assertion criteria provided. Collection method: clinical testing. Allele origin: germline. Not counted in ClinVar's aggregate classification.
Comment: This variant is classified as benign based on ACMG/AMP sequence variant interpretation guidelines (Richards et al. 2015 PMID: 25741868, with internal and published modifications).

Dr. Peter K. Rogan Lab, Western University
No classification provided (evidence only). Condition: Clear cell carcinoma of kidney. Review status: no classification provided. Collection method: in vitro. Allele origin: not applicable. Functional consequence: retained intron. Not counted in ClinVar's aggregate classification.

Dr. Peter K. Rogan Lab, Western University
No classification provided (evidence only). Condition: Acute myeloid leukemia. Review status: no classification provided. Collection method: in vitro. Allele origin: not applicable. Functional consequence: retained intron. Not counted in ClinVar's aggregate classification.

Dr. Peter K. Rogan Lab, Western University
No classification provided (evidence only). Condition: Uterine corpus endometrial carcinoma. Review status: no classification provided. Collection method: in vitro. Allele origin: not applicable. Functional consequence: retained intron. Not counted in ClinVar's aggregate classification.

Dr. Peter K. Rogan Lab, Western University
No classification provided (evidence only). Condition: Cervical cancer. Review status: no classification provided. Collection method: in vitro. Allele origin: not applicable. Functional consequence: retained intron. Not counted in ClinVar's aggregate classification.

Dr. Peter K. Rogan Lab, Western University
No classification provided (evidence only). Condition: Sarcoma. Review status: no classification provided. Collection method: in vitro. Allele origin: not applicable. Functional consequence: retained intron. Not counted in ClinVar's aggregate classification.

Dr. Peter K. Rogan Lab, Western University
No classification provided (evidence only). Condition: Sarcoma. Review status: no classification provided. Collection method: in vitro. Allele origin: not applicable. Functional consequence: retained intron. Not counted in ClinVar's aggregate classification.

Dr. Peter K. Rogan Lab, Western University
No classification provided (evidence only). Condition: Ovarian serous cystadenocarcinoma. Review status: no classification provided. Collection method: in vitro. Allele origin: not applicable. Functional consequence: retained intron. Not counted in ClinVar's aggregate classification.

Dr. Peter K. Rogan Lab, Western University
No classification provided (evidence only). Condition: Ovarian serous cystadenocarcinoma. Review status: no classification provided. Collection method: in vitro. Allele origin: not applicable. Functional consequence: retained intron. Not counted in ClinVar's aggregate classification.